The following is an entry in ClinVar:

NM_002941.4(ROBO1):c.3530A>T (p.Gln1177Leu)

Gene: ROBO1 (roundabout guidance receptor 1; minus strand). Cytogenetic location: 3p12.3.
Variant type: single nucleotide variant.
Coding change: c.3530A>T on transcript NM_002941.4 (MANE Select); coding-DNA position 3530, A replaced by T.
Protein change: p.Gln1177Leu; replaces glutamine 1177 with leucine.
Molecular consequence: missense variant.
Genome position (GRCh38, 1-based): chr3:78,631,257, T>A on the plus strand (A>T on the coding strand, the complement: ROBO1 is on the minus strand). VCF-style: chr3-78631257-T-A. GRCh37 (hg19) VCF-style: chr3-78680407-T-A.
Other names: c.3395A>T, p.Gln1132Leu (NM_133631.4); c.3230A>T, p.Gln1077Leu (NM_001145845.2); short protein forms Q1177L, Q1132L, Q1077L.
Identifiers: ClinVar variation 3635772 (VCV003635772.2).

ClinVar aggregate classification (germline): Uncertain significance (1 of 4 stars; one submission).

Submission:

Labcorp Genetics (formerly Invitae), Labcorp
Classification: Uncertain significance. Last evaluated: 2024-12-17. Review status: criteria provided, single submitter. Criteria: Invitae Variant Classification Sherloc (09022015). Collection method: clinical testing. Allele origin: germline.
Comment: This sequence change replaces glutamine, which is neutral and polar, with leucine, which is neutral and non-polar, at codon 1177 of the ROBO1 protein (p.Gln1177Leu). This variant is not present in population databases (gnomAD no frequency). This variant has not been reported in the literature in individuals affected with ROBO1-related conditions. Invitae Evidence Modeling of protein sequence and biophysical properties (such as structural, functional, and spatial information, amino acid conservation, physicochemical variation, residue mobility, and thermodynamic stability) indicates that this missense variant is not expected to disrupt ROBO1 protein function with a negative predictive value of 95%. In summary, the available evidence is currently insufficient to determine the role of this variant in disease. Therefore, it has been classified as a Variant of Uncertain Significance.